The following is an entry in ClinVar:

NM_006180.6(NTRK2):c.2375del (p.Arg792fs)

Gene: NTRK2 (neurotrophic receptor tyrosine kinase 2; plus strand). Cytogenetic location: 9q21.33.
Variant type: Deletion.
Coding change: c.2375del on transcript NM_006180.6 (MANE Select); coding-DNA position 2375, one base deleted (G; older notation c.2375delG).
Protein change: p.Arg792fs; shifts the reading frame from arginine 792.
Molecular consequence: frameshift variant.
Genome position (GRCh38, 1-based): chr9:85,021,295, G deleted. VCF-style (leftmost placement, unchanged base first): chr9-85021294-CG-C. GRCh37 (hg19) VCF-style: chr9-87636209-CG-C.
Other names: c.2327del, p.Arg776fs (NM_001018064.3, NM_001369532.1, NM_001369533.1); c.2291del, p.Arg764fs (NM_001369534.1); c.1859del, p.Arg620fs (NM_001369535.1); c.1907del, p.Arg636fs (NM_001369536.1); short protein forms R620fs, R636fs, R764fs, R776fs, R792fs.
Identifiers: ClinVar variation 3365059 (VCV003365059.1).

ClinVar aggregate classification (germline): Uncertain significance (1 of 4 stars; one submission).

Submission:

GeneDx
Classification: Uncertain significance. Last evaluated: 2023-12-04. Review status: criteria provided, single submitter. Criteria: GeneDx Variant Classification Process June 2021. Collection method: clinical testing. Allele origin: germline. Affected: yes.
Comment: Not observed at significant frequency in large population cohorts (gnomAD); Frameshift variant predicted to result in abnormal protein length as the last 47 amino acids are replaced with 9 different amino acids; Has not been previously published as pathogenic or benign to our knowledge